The following is an entry in ClinVar:

NM_000096.4(CP):c.236C>T (p.Thr79Ile)

Gene: CP (ceruloplasmin; minus strand). Cytogenetic location: 3q25.1.
Variant type: single nucleotide variant.
Coding change: c.236C>T on transcript NM_000096.4 (MANE Select); coding-DNA position 236, C replaced by T.
Protein change: p.Thr79Ile; replaces threonine 79 with isoleucine.
Molecular consequence: missense variant. On other transcripts: non-coding transcript variant (1).
Genome position (GRCh38, 1-based): chr3:149,212,609, G>A on the plus strand (C>T on the coding strand, the complement: CP is on the minus strand). VCF-style: chr3-149212609-G-A. GRCh37 (hg19) VCF-style: chr3-148930396-G-A.
Other names: short protein forms T79I.
Identifiers: ClinVar variation 954036 (VCV000954036.10), dbSNP rs192728234, ClinGen allele CA85550017.
Genomic context (GRCh38, chr3:149,212,609, plus strand): 5'-GCTTTGATAATAGGGCCTAAAAACCCAAGCCAGACCGGTTTTTCTATAGTTGTCCTAAAG[G>A]TTTCATCTGTGTACTGAAGATAAAGGGCCTTCTTATATAGTCTCCCAATTCTATCTGGGC-3'
Protein context (NP_000087.2, residues 69-89): KALYLQYTDE[Thr79Ile]FRTTIEKPVW

ClinVar aggregate classification (germline): Uncertain significance (1 of 4 stars; one submission).

Conditions:
Deficiency of ferroxidase (ACEP). Also called: Aceruloplasminemia; Ceruloplasmin deficiency; Familial apoceruloplasmin deficiency; Hereditary ceruloplasmin deficiency; Deficiency of ceruloplasmin; NEURODEGENERATION WITH BRAIN IRON ACCUMULATION 10. Identifiers: Orphanet 48818, MedGen C0878682, MONDO:0011426, OMIM 604290, HP:0025498.

Allele frequency attached by ClinVar (database versions not stated): gnomAD exomes below 0.00001; gnomAD 0.00002 and 0.00003; TOPMed 0.00002; 1000 Genomes Project 0.00020; 1000 Genomes Project 30x 0.00031.
gnomAD v4.1: 6 of 1,613,970 alleles (0.00037%); highest among the groups gnomAD compares: Admixed American, 0.005%; no homozygotes.

Submission:

Labcorp Genetics (formerly Invitae), Labcorp
Classification: Uncertain significance for Deficiency of ferroxidase. Last evaluated: 2019-10-10. Review status: criteria provided, single submitter. Criteria: Invitae Variant Classification Sherloc (09022015). Collection method: clinical testing. Allele origin: germline.
Comment: In summary, the available evidence is currently insufficient to determine the role of this variant in disease. Therefore, it has been classified as a Variant of Uncertain Significance. Algorithms developed to predict the effect of missense changes on protein structure and function (SIFT, PolyPhen-2, Align-GVGD) all suggest that this variant is likely to be tolerated, but these predictions have not been confirmed by published functional studies and their clinical significance is uncertain. This variant has not been reported in the literature in individuals with CP-related conditions. This variant is not present in population databases (ExAC no frequency). This sequence change replaces threonine with isoleucine at codon 79 of the CP protein (p.Thr79Ile). The threonine residue is moderately conserved and there is a moderate physicochemical difference between threonine and isoleucine.